The following is an entry in ClinVar:

NM_000719.7(CACNA1C):c.5215G>C (p.Asp1739His)

Genes: CACNA1C-AS1 (CACNA1C antisense RNA 1; minus strand), CACNA1C (calcium voltage-gated channel subunit alpha1 C; plus strand). Cytogenetic location: 12p13.33.
Variant type: single nucleotide variant.
Coding change: c.5215G>C on transcript NM_000719.7 (MANE Select); coding-DNA position 5215, G replaced by C.
Protein change: p.Asp1739His; replaces aspartic acid 1739 with histidine.
Molecular consequence: missense variant.
Genome position (GRCh38, 1-based): chr12:2,679,567, G>C. VCF-style: chr12-2679567-G-C. GRCh37 (hg19) VCF-style: chr12-2788733-G-C.
Other names: c.5359G>C, p.Asp1787His (NM_001129827.2, NM_199460.4); c.5338G>C, p.Asp1780His (NM_001129829.2); c.5215G>C, p.Asp1739His (NM_001129830.3, NM_001129840.2, NM_001129841.2 and 4 more transcripts); c.5299G>C, p.Asp1767His (NM_001129831.2); c.5275G>C, p.Asp1759His (NM_001129832.2); c.5272G>C, p.Asp1758His (NM_001129833.2, NM_001129834.2, NM_001129835.2); c.5266G>C, p.Asp1756His (NM_001129836.2); c.5239G>C, p.Asp1747His (NM_001129837.2, NM_001129838.2); and 3 more; short protein forms D1728H, D1736H, D1739H, D1745H, D1747H, D1756H, D1758H, D1759H.
Identifiers: ClinVar variation 4890823 (VCV004890823.1).

ClinVar aggregate classification (germline): Uncertain significance (1 of 4 stars; one submission).

Conditions:
Long QT syndrome 8. Identifiers: MedGen CN260585, MONDO:0032756, OMIM 618447.

Submission:

Helix
Classification: Uncertain significance for Long QT syndrome 8. Last evaluated: 2026-04-21. Review status: criteria provided, single submitter. Criteria: ACMG Guidelines, 2015. Collection method: clinical testing. Allele origin: germline. Inheritance: Autosomal dominant inheritance.
Comment: This variant (NM_000719.7:c.5215G>C p.Asp1739His) results in the substitution of aspartic acid with histidine at codon 1739 in the CACNA1C protein. It is a rare variant that is absent from the large gnomAD population database (v4.1). To our knowledge, this variant has not been reported in individuals with CACNA1C-related conditions in the published literature. In silico prediction from REVEL (PMID: 27666373) is indeterminate. In conclusion, since the available evidence is limited, the clinical significance of this variant is unclear at this time. Therefore, it is classified as a Variant of Uncertain Significance.